The following is an entry in ClinVar:

NM_001173464.2(KIF21A):c.2840T>C (p.Met947Thr)

Gene: KIF21A (kinesin family member 21A; minus strand). Cytogenetic location: 12q12.
Variant type: single nucleotide variant.
Coding change: c.2840T>C on transcript NM_001173464.2 (MANE Select); coding-DNA position 2840, T replaced by C.
Protein change: p.Met947Thr; replaces methionine 947 with threonine.
Molecular consequence: missense variant.
Genome position (GRCh38, 1-based): chr12:39,332,607, A>G on the plus strand (T>C on the coding strand, the complement: KIF21A is on the minus strand). VCF-style: chr12-39332607-A-G. GRCh37 (hg19) VCF-style: chr12-39726409-A-G.
Other names: c.2801T>C, p.Met934Thr (NM_001173463.2, NM_001378441.1, NM_017641.4); c.2732T>C, p.Met911Thr (NM_001173465.2); c.2840T>C, p.Met947Thr (NM_001378439.1, NM_001378440.1); short protein forms M911T, M934T, M947T.
Identifiers: ClinVar variation 2630313 (VCV002630313.1), dbSNP rs121912590, ClinGen allele CA384393241.
Genomic context (GRCh38, chr12:39,332,607, plus strand): 5'-ACAGTTAGCTAAGGGGGAGCGTATCTACTCTCTATTTTCCACACCTTGAGGAGTCTATTC[A>G]TATCTGCCTCCATGTTGGAAATGGTCATCTTCTGCATGATGATGTCTGTGACCCTGCGCT-3'
Protein context (NP_001166935.1, residues 937-957): KMTISNMEAD[Met947Thr]NRLLKQREEL

ClinVar aggregate classification (germline): Likely pathogenic (1 of 4 stars; one submission).

Conditions:
KIF21A-related disorder. Also called: KIF21A-related condition.

Submission:

PreventionGenetics, part of Exact Sciences
Classification: Likely pathogenic for KIF21A-related condition. Last evaluated: 2023-02-27. Review status: criteria provided, single submitter. Criteria: ACMG Guidelines, 2015. Collection method: clinical testing. Allele origin: germline.
Comment: The KIF21A c.2840T>C variant is predicted to result in the amino acid substitution p.Met947Thr. In an alternate transcript (NM_017641.3), this variant is known as c.2801T>C (p.Met934Thr). This variant has been reported as de novo a patient with congenital fibrosis of the extraocular muscles (CFEOM) (Patient JR01 in Yamada et al. 2005. PubMed ID: 16157808). Functional studies have shown that this variant leads to enhanced formation of KIF21A heterodimers and increased interaction with KANK1 (Kakinuma et al. 2009. PubMed ID: 19559006). This variant has not been reported in a large population database, indicating this variant is rare. Of note, other variants impacting the same amino acid (p.Met934Val, p.Met934TArg, and p.Met934Ile) have also been reported in patients with KIF21A-related phenotypes (Yamada et al. 2005. PubMed ID: 16157808).This variant is interpreted as likely pathogenic.